The following is an entry in ClinVar:

ClinVar aggregate classification (germline): Uncertain significance (1 of 4 stars; one submission).

Allele frequency attached by ClinVar (database versions not stated): gnomAD 0.00001.

Submission:

Labcorp Genetics (formerly Invitae), Labcorp
Classification: Uncertain significance. Last evaluated: 2022-09-07. Review status: criteria provided, single submitter. Criteria: Invitae Variant Classification Sherloc (09022015). Collection method: clinical testing. Allele origin: germline.
Comment: In summary, the available evidence is currently insufficient to determine the role of this variant in disease. Therefore, it has been classified as a Variant of Uncertain Significance. Algorithms developed to predict the effect of missense changes on protein structure and function are either unavailable or do not agree on the potential impact of this missense change (SIFT: "Deleterious"; PolyPhen-2: "Possibly Damaging"; Align-GVGD: "Class C0"). This variant has not been reported in the literature in individuals affected with CLCN6-related conditions. This variant is not present in population databases (gnomAD no frequency). This sequence change replaces proline, which is neutral and non-polar, with serine, which is neutral and polar, at codon 462 of the CLCN6 protein (p.Pro462Ser).

NM_001286.5(CLCN6):c.1384C>T (p.Pro462Ser)

Gene: CLCN6 (chloride voltage-gated channel 6; plus strand). Cytogenetic location: 1p36.22.
Variant type: single nucleotide variant.
Coding change: c.1384C>T on transcript NM_001286.5 (MANE Select); coding-DNA position 1384, C replaced by T.
Protein change: p.Pro462Ser; replaces proline 462 with serine.
Molecular consequence: missense variant. On other transcripts: non-coding transcript variant (1).
Genome position (GRCh38, 1-based): chr1:11,833,888, C>T. VCF-style: chr1-11833888-C-T. GRCh37 (hg19) VCF-style: chr1-11893945-C-T.
Other names: c.1318C>T, p.Pro440Ser (NM_001256959.2); short protein forms P440S, P462S.
Identifiers: ClinVar variation 1718979 (VCV001718979.5), dbSNP rs1286727952, ClinGen allele CA338435210.